The following is an entry in ClinVar:

ClinVar aggregate classification (germline): Uncertain significance (1 of 4 stars; one submission).

Conditions:
Inborn genetic diseases. Identifiers: MedGen C0950123, MeSH D030342.

Submission:

Ambry Genetics
Classification: Uncertain significance for Inborn genetic diseases. Last evaluated: 2024-02-27. Review status: criteria provided, single submitter. Criteria: Ambry Variant Classification Scheme 2023. Collection method: clinical testing. Allele origin: germline.
Comment: The p.D1525N variant (also known as c.4573G>A), located in coding exon 32 of the LRRK2 gene, results from a G to A substitution at nucleotide position 4573. The aspartic acid at codon 1525 is replaced by asparagine, an amino acid with highly similar properties. This amino acid position is conserved. In addition, this alteration is predicted to be tolerated by in silico analysis. Based on the available evidence, the clinical significance of this alteration remains unclear.

NM_198578.4(LRRK2):c.4573G>A (p.Asp1525Asn)

Gene: LRRK2 (leucine rich repeat kinase 2; plus strand). Cytogenetic location: 12q12.
Variant type: single nucleotide variant.
Coding change: c.4573G>A on transcript NM_198578.4 (MANE Select); coding-DNA position 4573, G replaced by A.
Protein change: p.Asp1525Asn; replaces aspartic acid 1525 with asparagine.
Molecular consequence: missense variant.
Genome position (GRCh38, 1-based): chr12:40,314,008, G>A. VCF-style: chr12-40314008-G-A. GRCh37 (hg19) VCF-style: chr12-40707810-G-A.
Other names: short protein forms D1525N.
Identifiers: ClinVar variation 3229663 (VCV003229663.1), dbSNP rs2499845737, ClinGen allele CA384418806.
Genomic context (GRCh38, chr12:40,314,008, plus strand): 5'-GGCTTGTCATTTGTAATTTCATAGATCCGAGATCAGCTTGTTGTTGGACAGCTGATTCCA[G>A]ACTGCTATGTAGAACTTGAAAAAATCATTTTATCGGAGCGTAAAAATGTGCCAATTGAAT-3'
Protein context (NP_940980.4, residues 1515-1535): DQLVVGQLIP[Asp1525Asn]CYVELEKIIL